The following is an entry in ClinVar:

ClinVar aggregate classification (germline): Uncertain significance (1 of 4 stars; one submission).

Conditions:
Developmental and epileptic encephalopathy. Identifiers: MedGen C5779964, MONDO:0100620.

Submission:

Labcorp Genetics (formerly Invitae), Labcorp
Classification: Uncertain significance for Early-infantile DEE. Last evaluated: 2022-06-22. Review status: criteria provided, single submitter. Criteria: Invitae Variant Classification Sherloc (09022015). Collection method: clinical testing. Allele origin: germline.
Comment: In summary, the available evidence is currently insufficient to determine the role of this variant in disease. Therefore, it has been classified as a Variant of Uncertain Significance. Experimental studies and prediction algorithms are not available or were not evaluated, and the functional significance of this variant is currently unknown. This variant has not been reported in the literature in individuals affected with HCN1-related conditions. This variant is a gross deletion of the genomic region encompassing exon(s) 7-8 of the HCN1 gene, which includes the termination codon. This deletion extends beyond the assayed region for this gene and therefore may encompass additional genes. While this deletion is not anticipated to lead to nonsense mediated decay, it is expected to alter mRNA translation or result in a truncated protein product.

NC_000005.9:g.(?_45262023)_(45267375_?)del

Gene: HCN1 (hyperpolarization activated cyclic nucleotide gated potassium channel 1; minus strand). Cytogenetic location: 5p12.
Variant type: Deletion.
Identifiers: ClinVar variation 2426658 (VCV002426658.4).